The following is an entry in ClinVar:

NM_001267727.2(ARSG):c.298A>G (p.Asn100Asp)

Gene: ARSG (arylsulfatase G; plus strand). Cytogenetic location: 17q24.2.
Variant type: single nucleotide variant.
Coding change: c.298A>G on transcript NM_001267727.2 (MANE Select); coding-DNA position 298, A replaced by G.
Protein change: p.Asn100Asp; replaces asparagine 100 with aspartic acid.
Molecular consequence: missense variant.
Genome position (GRCh38, 1-based): chr17:68,343,683, A>G. VCF-style: chr17-68343683-A-G. GRCh37 (hg19) VCF-style: chr17-66339824-A-G.
Other names: c.298A>G, p.Asn100Asp (NM_001352899.2, NM_001352900.2, NM_001352901.2 and 9 more transcripts); short protein forms N100D.
Identifiers: ClinVar variation 1381052 (VCV001381052.3), dbSNP rs200869419, ClinGen allele CA8728159.

ClinVar aggregate classification (germline): Uncertain significance (1 of 4 stars; one submission).

Allele frequency attached by ClinVar (database versions not stated): gnomAD exomes below 0.00001; ExAC 0.00001; gnomAD 0.00001; 1000 Genomes Project 30x 0.00016; 1000 Genomes Project 0.00020.
gnomAD v4.1: 2 of 1,614,054 alleles (0.00012%); highest among the groups gnomAD compares: Admixed American, 0.0017%; no homozygotes.

Submission:

Labcorp Genetics (formerly Invitae), Labcorp
Classification: Uncertain significance. Last evaluated: 2022-08-31. Review status: criteria provided, single submitter. Criteria: Invitae Variant Classification Sherloc (09022015). Collection method: clinical testing. Allele origin: germline.
Comment: This sequence change replaces asparagine, which is neutral and polar, with aspartic acid, which is acidic and polar, at codon 100 of the ARSG protein (p.Asn100Asp). This variant is not present in population databases (gnomAD no frequency). This variant has not been reported in the literature in individuals affected with ARSG-related conditions. ClinVar contains an entry for this variant (Variation ID: 1381052). Algorithms developed to predict the effect of missense changes on protein structure and function are either unavailable or do not agree on the potential impact of this missense change (SIFT: "Tolerated"; PolyPhen-2: "Possibly Damaging"; Align-GVGD: "Class C0"). In summary, the available evidence is currently insufficient to determine the role of this variant in disease. Therefore, it has been classified as a Variant of Uncertain Significance.